The following is an entry in ClinVar:

ClinVar aggregate classification (germline): Pathogenic (1 of 4 stars; one submission).

Submission:

Labcorp Genetics (formerly Invitae), Labcorp
Classification: Pathogenic. Last evaluated: 2023-12-19. Review status: criteria provided, single submitter. Criteria: Invitae Variant Classification Sherloc (09022015). Collection method: clinical testing. Allele origin: germline.
Comment: This sequence change creates a premature translational stop signal (p.Arg941Serfs*89) in the LAMB3 gene. It is expected to result in an absent or disrupted protein product. Loss-of-function variants in LAMB3 are known to be pathogenic (PMID: 11023379, 16473856). This variant is not present in population databases (gnomAD no frequency). This variant has not been reported in the literature in individuals affected with LAMB3-related conditions. For these reasons, this variant has been classified as Pathogenic.

Literature cited by the submitters: PubMed 11023379; PubMed 16473856.

NM_000228.3(LAMB3):c.2823del (p.Arg941fs)

Gene: LAMB3 (laminin subunit beta 3; minus strand). Cytogenetic location: 1q32.2.
Variant type: Deletion.
Coding change: c.2823del on transcript NM_000228.3 (MANE Select); coding-DNA position 2823, one base deleted (G; older notation c.2823delG).
Protein change: p.Arg941fs; shifts the reading frame from arginine 941.
Molecular consequence: frameshift variant.
Genome position (GRCh38, 1-based): chr1:209,618,538, C deleted on the plus strand (G on the coding strand, the reverse complement: LAMB3 is on the minus strand); the first of 2 consecutive C bases (chr1:209,618,538-209,618,539); deleting either gives the same sequence. VCF-style (leftmost placement, unchanged base first): chr1-209618537-GC-G. GRCh37 (hg19) VCF-style: chr1-209791882-GC-G.
Other names: c.2823del, p.Arg941fs (NM_001017402.2, NM_001127641.1); short protein forms R941fs.
Identifiers: ClinVar variation 2704245 (VCV002704245.3), dbSNP rs2464763566, ClinGen allele CA2697554864.
Genomic context (GRCh38, chr1:209,618,537, plus strand): 5'-ACCGGCGGGCACGCGCAATGTCCTGCTTGGTCTGGGACAGCACCAAGTCCACGTTGGGGA[GC>G]CTGGCTGCAATGGCCTGGATCTCATTCATCTTCTGCAGAACAGTAGCTGAGTCTGTGGGC-3'